The following is an entry in ClinVar:

NM_152703.5(SAMD9L):c.379A>G (p.Arg127Gly)

Gene: SAMD9L (sterile alpha motif domain containing 9 like; minus strand). Cytogenetic location: 7q21.2.
Variant type: single nucleotide variant.
Coding change: c.379A>G on transcript NM_152703.5 (MANE Select); coding-DNA position 379, A replaced by G.
Protein change: p.Arg127Gly; replaces arginine 127 with glycine.
Molecular consequence: missense variant.
Genome position (GRCh38, 1-based): chr7:93,135,593, T>C on the plus strand (A>G on the coding strand, the complement: SAMD9L is on the minus strand). VCF-style: chr7-93135593-T-C. GRCh37 (hg19) VCF-style: chr7-92764906-T-C.
Other names: c.379A>G, p.Arg127Gly (NM_001303496.3, NM_001303497.3, NM_001303498.3 and 5 more transcripts); short protein forms R127G.
Identifiers: ClinVar variation 3792235 (VCV003792235.1).

ClinVar aggregate classification (germline): Uncertain significance (1 of 4 stars; one submission).

Conditions:
Inborn genetic diseases. Identifiers: MedGen C0950123, MeSH D030342.

Submission:

Ambry Genetics
Classification: Uncertain significance for Inborn genetic diseases. Last evaluated: 2024-12-20. Review status: criteria provided, single submitter. Criteria: Ambry Variant Classification Scheme 2023. Collection method: clinical testing. Allele origin: germline.
Comment: The p.R127G variant (also known as c.379A>G), located in coding exon 1 of the SAMD9L gene, results from an A to G substitution at nucleotide position 379. The arginine at codon 127 is replaced by glycine, an amino acid with dissimilar properties. This amino acid position is conserved. In addition, this alteration is predicted to be tolerated by in silico analysis. Based on the available evidence, the clinical significance of this variant remains unclear.